The following is an entry in ClinVar:

NM_152296.5(ATP1A3):c.471+1G>A

Gene: ATP1A3 (ATPase Na+/K+ transporting subunit alpha 3; minus strand). Cytogenetic location: 19q13.2.
Variant type: single nucleotide variant.
Coding change: c.471+1G>A on transcript NM_152296.5 (MANE Select); the canonical splice donor site of the intron after coding-DNA position 471, G replaced by A.
Molecular consequence: splice donor variant.
Genome position (GRCh38, 1-based): chr19:41,986,115, C>T on the plus strand (G>A on the coding strand, the complement: ATP1A3 is on the minus strand). VCF-style: chr19-41986115-C-T. GRCh37 (hg19) VCF-style: chr19-42490267-C-T.
Other names: c.510+1G>A (NM_001256214.2); c.504+1G>A (NM_001256213.2).
Identifiers: ClinVar variation 4527459 (VCV004527459.1).

ClinVar aggregate classification (germline): Uncertain significance (1 of 4 stars; one submission).

Submission:

GeneDx
Classification: Uncertain significance. Last evaluated: 2025-05-02. Review status: criteria provided, single submitter. Criteria: GeneDx Variant Classification Process June 2021. Collection method: clinical testing. Allele origin: germline. Affected: yes.
Comment: Not observed at significant frequency in large population cohorts (gnomAD); Canonical splice site variant with an unclear effect on protein function; Has not been previously published as pathogenic or benign to our knowledge